The following is an entry in ClinVar:

NM_020376.4(PNPLA2):c.875del (p.Gly292fs)

Gene: PNPLA2 (patatin like domain 2, triacylglycerol lipase; plus strand). Cytogenetic location: 11p15.5.
Variant type: Deletion.
Coding change: c.875del on transcript NM_020376.4 (MANE Select); coding-DNA position 875, one base deleted (G; older notation c.875delG).
Protein change: p.Gly292fs; shifts the reading frame from glycine 292.
Molecular consequence: frameshift variant.
Genome position (GRCh38, 1-based): chr11:823,811, G deleted; the last of 2 consecutive G bases (chr11:823,810-823,811); deleting either gives the same sequence. VCF-style (leftmost placement, unchanged base first): chr11-823809-CG-C. GRCh37 (hg19) VCF-style: chr11-823809-CG-C.
Other names: short protein forms G292fs.
Identifiers: ClinVar variation 3651821 (VCV003651821.2).

ClinVar aggregate classification (germline): Pathogenic (1 of 4 stars; one submission).

Conditions:
Neutral lipid storage myopathy (NLSDM). Also called: NEUTRAL LIPID STORAGE DISEASE WITHOUT ICHTHYOSIS. Identifiers: Orphanet 98908, MedGen C1853136, MONDO:0012545, OMIM 610717.

Submission:

Labcorp Genetics (formerly Invitae), Labcorp
Classification: Pathogenic for Neutral lipid storage myopathy. Last evaluated: 2024-05-14. Review status: criteria provided, single submitter. Criteria: Invitae Variant Classification Sherloc (09022015). Collection method: clinical testing. Allele origin: germline.
Comment: This sequence change creates a premature translational stop signal (p.Gly292Glufs*28) in the PNPLA2 gene. It is expected to result in an absent or disrupted protein product. Loss-of-function variants in PNPLA2 are known to be pathogenic (PMID: 17187067). This variant is not present in population databases (gnomAD no frequency). This premature translational stop signal has been observed in individual(s) with lipid storage myopathy (PMID: 35342266). For these reasons, this variant has been classified as Pathogenic.

Literature cited by the submitters: PubMed 17187067; PubMed 35342266.